The following is an entry in ClinVar:

NC_000013.10:g.(?_101167661)_(101167841_?)del

Gene: PCCA (propionyl-CoA carboxylase subunit alpha; plus strand). Cytogenetic location: 13q32.3.
Variant type: Deletion.
Identifiers: ClinVar variation 2422804 (VCV002422804.3).

ClinVar aggregate classification (germline): Pathogenic (1 of 4 stars; one submission).

Conditions:
Propionic acidemia (PROP). Also called: GLYCINEMIA, KETOTIC; HYPERGLYCINEMIA WITH KETOACIDOSIS AND LEUKOPENIA; KETOTIC HYPERGLYCINEMIA. Identifiers: Orphanet 35, MedGen C0268579, MONDO:0011628, OMIM 606054, HP:0003571.

Submission:

Labcorp Genetics (formerly Invitae), Labcorp
Classification: Pathogenic for Propionic acidemia. Last evaluated: 2022-10-10. Review status: criteria provided, single submitter. Criteria: Invitae Variant Classification Sherloc (09022015). Collection method: clinical testing. Allele origin: germline.
Comment: This variant is a gross deletion of the genomic region encompassing exon(s) 22 of the PCCA gene. This variant would be expected to be in-frame, preserving the integrity of the reading frame. This variant has not been reported in the literature in individuals affected with PCCA-related conditions. This variant disrupts a region of the PCCA protein in which other variant(s) (p.Gly668Arg) have been determined to be pathogenic (PMID: 10329019, 19099776, 27227689, 29978829). This suggests that this is a clinically significant region of the protein, and that variants that disrupt it are likely to be disease-causing. For these reasons, this variant has been classified as Pathogenic.

Literature cited by the submitters: PubMed 10329019; PubMed 19099776; PubMed 27227689; PubMed 29978829.